The following is an entry in ClinVar:

ClinVar aggregate classification (germline): Likely benign (1 of 4 stars; one submission).

Allele frequency attached by ClinVar (database versions not stated): gnomAD exomes below 0.00001; TOPMed below 0.00001; gnomAD 0.00001 and 0.00004; 1000 Genomes Project 30x 0.00062.
gnomAD v4.1: 9 of 1,047,081 alleles (0.00086%); highest among the groups gnomAD compares: Admixed American, 0.025%; no homozygotes.

Submission:

GeneDx
Classification: Likely benign. Last evaluated: 2016-08-31. Review status: criteria provided, single submitter. Criteria: GeneDx Variant Classification (06012015). Collection method: clinical testing. Allele origin: germline. Affected: yes.
Comment: This variant is considered likely benign or benign based on one or more of the following criteria: it is a conservative change, it occurs at a poorly conserved position in the protein, it is predicted to be benign by multiple in silico algorithms, and/or has population frequency not consistent with disease.

NM_006579.3(EBP):c.-49T>C

Gene: EBP (EBP cholestenol delta-isomerase; plus strand). Cytogenetic location: Xp11.23.
Variant type: single nucleotide variant.
Coding change: c.-49T>C on transcript NM_006579.3 (MANE Select); 49 bases upstream of the start codon, T replaced by C.
Molecular consequence: 5 prime UTR variant.
Genome position (GRCh38, 1-based): chrX:48,523,723, T>C. VCF-style: chrX-48523723-T-C. GRCh37 (hg19) VCF-style: chrX-48382111-T-C.
Identifiers: ClinVar variation 389045 (VCV000389045.1), dbSNP rs1057523309, ClinGen allele CA16608934.
Genomic context (GRCh38, chrX:48,523,723, plus strand): 5'-TTTTATTATCTCATTCTGTACTTTCTATTTGTCCAGGTTTTTCTGTTCCTTTTTTTTTTT[T>C]TTTTTTAACTTCCTGCCTATACACACGCAGCCATCAGCCCACAAAGACATGACTACCAAC-3'